The following is an entry in ClinVar:

NM_014712.3(SETD1A):c.2632T>G (p.Phe878Val)

Gene: SETD1A (SET domain containing 1A, histone lysine methyltransferase; plus strand). Cytogenetic location: 16p11.2.
Variant type: single nucleotide variant.
Coding change: c.2632T>G on transcript NM_014712.3 (MANE Select); coding-DNA position 2632, T replaced by G.
Protein change: p.Phe878Val; replaces phenylalanine 878 with valine.
Molecular consequence: missense variant.
Genome position (GRCh38, 1-based): chr16:30,967,010, T>G. VCF-style: chr16-30967010-T-G. GRCh37 (hg19) VCF-style: chr16-30978331-T-G.
Other names: short protein forms F878V.
Identifiers: ClinVar variation 5003041 (VCV005003041.1).

ClinVar aggregate classification (germline): Uncertain significance (1 of 4 stars; one submission).

Conditions:
Neurodevelopmental disorder with speech impairment and dysmorphic facies. Identifiers: MedGen C5436699, MONDO:0033630, OMIM 619056.

Submission:

OLLIN Analises Genomicas, OLLIN
Classification: Uncertain significance for Neurodevelopmental disorder with speech impairment and dysmorphic facies. Last evaluated: 2026-08-06. Review status: criteria provided, single submitter. Criteria: ACMG Guidelines 2015 PMID 25741868. Collection method: clinical testing. Allele origin: germline. Inheritance: Autosomal dominant inheritance.
Comment: This missense variant, located in exon 9 (of 19), is absent from gnomAD and ClinVar and has not been identified in the literature. In silico analysis is inconclusive regarding the impact of this variant. According to the currently available evidence, this variant has been classified as uncertain significance (PM2_P).